The following is an entry in ClinVar:

ClinVar aggregate classification (germline): Uncertain significance. Review status: criteria provided, multiple submitters, no conflicts (2 of 4 stars). 2 submissions from 2 submitters: Uncertain significance (2). Last evaluated 2023-08-21.

Conditions:
Intellectual developmental disorder, autosomal dominant 3. Also called: Intellectual disability, autosomal dominant 3. Identifiers: MedGen C2675488, MONDO:0012946, OMIM 612580.

Allele frequency attached by ClinVar (database versions not stated): TOPMed 0.00008; gnomAD 0.00002 and 0.00001; gnomAD exomes 0.00009 and 0.00004; ExAC 0.00012.
gnomAD v4.1: 60 of 1,611,010 alleles (0.0037%); highest among the groups gnomAD compares: East Asian, 0.074%; no homozygotes.

Submissions (2):

Ambry Genetics
Classification: Uncertain significance. Last evaluated: 2023-08-21. Review status: criteria provided, single submitter. Criteria: Ambry Variant Classification Scheme 2023. Collection method: clinical testing. Allele origin: germline.

Baylor Genetics
Classification: Uncertain significance for Intellectual developmental disorder, autosomal dominant 3. Last evaluated: 2018-09-10. Review status: criteria provided, single submitter. Criteria: ACMG Guidelines, 2015. Collection method: clinical testing. Allele origin: paternal. Affected: yes.
Comment: This variant was determined to be of uncertain significance according to ACMG Guidelines, 2015 [PMID:25741868].

NM_004933.3(CDH15):c.472A>G (p.Thr158Ala)

Gene: CDH15 (cadherin 15; plus strand). Cytogenetic location: 16q24.3.
Variant type: single nucleotide variant.
Coding change: c.472A>G on transcript NM_004933.3 (MANE Select); coding-DNA position 472, A replaced by G.
Protein change: p.Thr158Ala; replaces threonine 158 with alanine.
Molecular consequence: missense variant.
Genome position (GRCh38, 1-based): chr16:89,183,662, A>G. VCF-style: chr16-89183662-A-G. GRCh37 (hg19) VCF-style: chr16-89250070-A-G.
Other names: short protein forms T158A.
Identifiers: ClinVar variation 1034132 (VCV001034132.3), dbSNP rs755920647, ClinGen allele CA8238840.